The following is an entry in ClinVar:

NM_000751.3(CHRND):c.316dup (p.Asp106fs)

Gene: CHRND (cholinergic receptor nicotinic delta subunit; plus strand). Cytogenetic location: 2q37.1.
Variant type: Duplication.
Coding change: c.316dup on transcript NM_000751.3 (MANE Select); coding-DNA position 316, one base duplicated (G; older notation c.316dupG).
Protein change: p.Asp106fs; shifts the reading frame from aspartic acid 106.
Molecular consequence: frameshift variant.
Genome position (GRCh38, 1-based): chr2:232,528,334, G duplicated; the last of 2 consecutive G bases (chr2:232,528,333-232,528,334); duplicating either gives the same sequence. VCF-style (leftmost placement, unchanged base first): chr2-232528332-C-CG. GRCh37 (hg19) VCF-style: chr2-233393042-C-CG.
Other names: c.271dup, p.Asp91fs (NM_001256657.2); c.45dup, p.Thr16fs (NM_001311195.2, NM_001311196.2); short protein forms T16fs, D91fs, D106fs.
Identifiers: ClinVar variation 2097009 (VCV002097009.4), dbSNP rs2469718292, ClinGen allele CA2580066060.

ClinVar aggregate classification (germline): Pathogenic (1 of 4 stars; one submission).

Conditions:
Lethal multiple pterygium syndrome (LMPS). Identifiers: Orphanet 33108, MedGen C1854678, MONDO:0009668, OMIM 253290.

Submission:

Labcorp Genetics (formerly Invitae), Labcorp
Classification: Pathogenic for Lethal multiple pterygium syndrome. Last evaluated: 2022-08-07. Review status: criteria provided, single submitter. Criteria: Invitae Variant Classification Sherloc (09022015). Collection method: clinical testing. Allele origin: germline.
Comment: For these reasons, this variant has been classified as Pathogenic. This variant has not been reported in the literature in individuals affected with CHRND-related conditions. This variant is not present in population databases (gnomAD no frequency). This sequence change creates a premature translational stop signal (p.Asp106Glyfs*15) in the CHRND gene. It is expected to result in an absent or disrupted protein product. Loss-of-function variants in CHRND are known to be pathogenic (PMID: 11435464, 25264167).

Literature cited by the submitters: PubMed 11435464; PubMed 25264167.